The following is an entry in ClinVar:

ClinVar aggregate classification (germline): Uncertain significance. Review status: criteria provided, multiple submitters, no conflicts (2 of 4 stars). 2 submissions from 2 submitters: Uncertain significance (2). Last evaluated 2025-12-16.

Conditions:
Inborn genetic diseases. Identifiers: MedGen C0950123, MeSH D030342.

Submissions (2):

Ambry Genetics
Classification: Uncertain significance for Inborn genetic diseases. Last evaluated: 2025-12-16. Review status: criteria provided, single submitter. Criteria: Ambry Variant Classification Scheme 2023. Collection method: clinical testing. Allele origin: germline.

Mayo Clinic Laboratories, Mayo Clinic
Classification: Uncertain significance. Last evaluated: 2023-11-16. Review status: criteria provided, single submitter. Criteria: ACMG Guidelines, 2015. Collection method: clinical testing. Allele origin: germline. Observed: 1 variant allele.
Comment: PM2_moderate

NM_000414.4(HSD17B4):c.184A>G (p.Ile62Val)

Gene: HSD17B4 (hydroxysteroid 17-beta dehydrogenase 4; plus strand). Cytogenetic location: 5q23.1.
Variant type: single nucleotide variant.
Coding change: c.184A>G on transcript NM_000414.4 (MANE Select); coding-DNA position 184, A replaced by G.
Protein change: p.Ile62Val; replaces isoleucine 62 with valine.
Molecular consequence: missense variant. On other transcripts: 5 prime UTR variant (6), non-coding transcript variant (2).
Genome position (GRCh38, 1-based): chr5:119,473,979, A>G. VCF-style: chr5-119473979-A-G. GRCh37 (hg19) VCF-style: chr5-118809674-A-G.
Other names: p.Ile87Val; c.259A>G, p.Ile87Val (NM_001199291.3); c.130A>G, p.Ile44Val (NM_001199292.2); c.112A>G, p.Ile38Val (NM_001292027.2); c.-228A>G (NM_001292028.2, NM_001374501.1); c.184A>G, p.Ile62Val (NM_001374497.1, NM_001374498.1); c.-97A>G (NM_001374499.1); c.-355A>G (NM_001374500.1); and 2 more; short protein forms I38V, I44V, I62V, I87V.
Identifiers: ClinVar variation 3379597 (VCV003379597.2).